The following is an entry in ClinVar:

ClinVar aggregate classification (germline): Pathogenic (1 of 4 stars; one submission).

Conditions:
Osteogenesis imperfecta type I (OI1). Also called: OI, TYPE I; OSTEOGENESIS IMPERFECTA TARDA; OSTEOGENESIS IMPERFECTA WITH BLUE SCLERAE; Osteogenesis imperfecta type 1; Lobstein disease; Classic Non-deforming Osteogenesis Imperfecta with Blue Sclerae. Identifiers: Orphanet 216796, Orphanet 666, MedGen C0023931, MONDO:0008146, OMIM 166200. Disease mechanism: loss of function.

Submission:

Labcorp Genetics (formerly Invitae), Labcorp
Classification: Pathogenic for Osteogenesis imperfecta type I. Last evaluated: 2022-07-05. Review status: criteria provided, single submitter. Criteria: Invitae Variant Classification Sherloc (09022015). Collection method: clinical testing. Allele origin: germline.
Comment: This variant disrupts the p.Cys61 amino acid residue in COL1A1. Other variant(s) that disrupt this residue have been observed in individuals with COL1A1-related conditions (PMID: 21667357), which suggests that this may be a clinically significant amino acid residue. For these reasons, this variant has been classified as Pathogenic. Advanced modeling of protein sequence and biophysical properties (such as structural, functional, and spatial information, amino acid conservation, physicochemical variation, residue mobility, and thermodynamic stability) performed at Invitae indicates that this missense variant is expected to disrupt COL1A1 protein function. ClinVar contains an entry for this variant (Variation ID: 1395929). This missense change has been observed in individual(s) with clinical features of osteogenesis imperfecta (Invitae). In at least one individual the variant was observed to be de novo. This variant is not present in population databases (gnomAD no frequency). This sequence change replaces cysteine, which is neutral and slightly polar, with tryptophan, which is neutral and slightly polar, at codon 61 of the COL1A1 protein (p.Cys61Trp).

Literature cited by the submitters: PubMed 21667357.

NM_000088.4(COL1A1):c.183C>G (p.Cys61Trp)

Gene: COL1A1 (collagen type I alpha 1 chain; minus strand). Cytogenetic location: 17q21.33.
Variant type: single nucleotide variant.
Coding change: c.183C>G on transcript NM_000088.4 (MANE Select); coding-DNA position 183, C replaced by G.
Protein change: p.Cys61Trp; replaces cysteine 61 with tryptophan.
Molecular consequence: missense variant.
Genome position (GRCh38, 1-based): chr17:50,199,868, G>C on the plus strand (C>G on the coding strand, the complement: COL1A1 is on the minus strand). VCF-style: chr17-50199868-G-C. GRCh37 (hg19) VCF-style: chr17-48277229-G-C.
Other names: short protein forms C61W.
Identifiers: ClinVar variation 1395929 (VCV001395929.6), dbSNP rs755126464, ClinGen allele CA400228457.